The following is an entry in ClinVar:

ClinVar aggregate classification (germline): Likely pathogenic (1 of 4 stars; one submission).

Submission:

Labcorp Genetics (formerly Invitae), Labcorp
Classification: Likely pathogenic. Last evaluated: 2025-05-15. Review status: criteria provided, single submitter. Criteria: Invitae Variant Classification Sherloc (09022015). Collection method: clinical testing. Allele origin: germline.
Comment: This sequence change affects an acceptor splice site in intron 5 of the HACE1 gene. It is expected to disrupt RNA splicing. Variants that disrupt the donor or acceptor splice site typically lead to a loss of protein function (PMID: 16199547), and loss-of-function variants in HACE1 are known to be pathogenic (PMID: 26424145, 26437029). This variant is not present in population databases (gnomAD no frequency). This variant has not been reported in the literature in individuals affected with HACE1-related conditions. Algorithms developed to predict the effect of sequence changes on RNA splicing suggest that this variant may disrupt the consensus splice site. In summary, the currently available evidence indicates that the variant is pathogenic, but additional data are needed to prove that conclusively. Therefore, this variant has been classified as Likely Pathogenic.

Literature cited by the submitters: PubMed 16199547; PubMed 26424145; PubMed 26437029.

NM_020771.4(HACE1):c.403-1G>C

Gene: HACE1 (HECT domain and ankyrin repeat containing E3 ubiquitin protein ligase 1; minus strand). Cytogenetic location: 6q16.3.
Variant type: single nucleotide variant.
Coding change: c.403-1G>C on transcript NM_020771.4 (MANE Select); the canonical splice acceptor site of the intron before coding-DNA position 403, G replaced by C.
Molecular consequence: splice acceptor variant. On other transcripts: intron variant (5).
Genome position (GRCh38, 1-based): chr6:104,833,174, C>G on the plus strand (G>C on the coding strand, the complement: HACE1 is on the minus strand). VCF-style: chr6-104833174-C-G. GRCh37 (hg19) VCF-style: chr6-105281049-C-G.
Other names: c.326+15968G>C (NM_001350555.2); c.-250+15968G>C (NM_001350560.2); c.-19-1G>C (NM_001350557.2, NM_001350558.2, NM_001321084.2); c.-84-1G>C (NM_001350556.2); c.35+10049G>C (NM_001350559.2); c.402+10049G>C (NM_001321080.2); c.300+10049G>C (NM_001350554.2); c.301-1G>C (NM_001321083.2).
Identifiers: ClinVar variation 4777981 (VCV004777981.1).